The following is an entry in ClinVar:

ClinVar aggregate classification (germline): Uncertain significance (1 of 4 stars; one submission).

Conditions:
Inborn genetic diseases. Identifiers: MedGen C0950123, MeSH D030342.

Submission:

Ambry Genetics
Classification: Uncertain significance for Inborn genetic diseases. Last evaluated: 2025-09-04. Review status: criteria provided, single submitter. Criteria: Ambry Variant Classification Scheme 2023. Collection method: clinical testing. Allele origin: germline.
Comment: The p.A655D variant (also known as c.1964C>A), located in coding exon 15 of the BUB1B gene, results from a C to A substitution at nucleotide position 1964. The alanine at codon 655 is replaced by aspartic acid, an amino acid with dissimilar properties. This amino acid position is conserved. In addition, this alteration is predicted to be tolerated by in silico analysis. Based on the available evidence, the clinical significance of this variant remains unclear.

NM_001211.6(BUB1B):c.1964C>A (p.Ala655Asp)

Gene: BUB1B (BUB1 mitotic checkpoint serine/threonine kinase B; plus strand). Cytogenetic location: 15q15.1.
Variant type: single nucleotide variant.
Coding change: c.1964C>A on transcript NM_001211.6 (MANE Select); coding-DNA position 1964, C replaced by A.
Protein change: p.Ala655Asp; replaces alanine 655 with aspartic acid.
Molecular consequence: missense variant.
Genome position (GRCh38, 1-based): chr15:40,206,413, C>A. VCF-style: chr15-40206413-C-A. GRCh37 (hg19) VCF-style: chr15-40498614-C-A.
Other names: short protein forms A655D.
Identifiers: ClinVar variation 4216977 (VCV004216977.1).